The following is an entry in ClinVar:

Conditions:
Long QT syndrome 5 (LQT5). Identifiers: Orphanet 101016, Orphanet 768, MedGen C1867904, MONDO:0013372, OMIM 613695.

Submission:

Roden Lab, Vanderbilt University Medical Center
No classification provided (evidence only). Condition: Long QT syndrome 5. Review status: no classification provided. Collection method: in vitro. Allele origin: not applicable. Functional consequence: Effect on ion channel function.
ClinVar note: "not provided" was previously submitted as the classification for the variant. However, the classification appeared to be based only on an observation of functional data so it was converted to no classification on 2025-07-30.

NM_000219.6(KCNE1):c.105C>G (p.Pro35=)

Gene: KCNE1 (potassium voltage-gated channel subfamily E regulatory subunit 1; minus strand). Cytogenetic location: 21q22.12.
Variant type: single nucleotide variant.
Coding change: c.105C>G on transcript NM_000219.6 (MANE Select); coding-DNA position 105, C replaced by G.
Protein change: p.Pro35=; no amino-acid change (proline 35 retained).
Molecular consequence: synonymous variant.
Genome position (GRCh38, 1-based): chr21:34,449,530, G>C on the plus strand (C>G on the coding strand, the complement: KCNE1 is on the minus strand). VCF-style: chr21-34449530-G-C. GRCh37 (hg19) VCF-style: chr21-35821828-G-C.
Other names: c.105C>G, p.Pro35= (NM_001127668.4, NM_001127669.4, NM_001127670.4 and 4 more transcripts).
Identifiers: ClinVar variation 3374062 (VCV003374062.2).